The following is an entry in ClinVar:

ClinVar aggregate classification (germline): Uncertain significance. Review status: criteria provided, multiple submitters, no conflicts (2 of 4 stars). 2 submissions from 2 submitters: Uncertain significance (2). Last evaluated 2026-01-21.

Conditions:
X-linked severe combined immunodeficiency (SCIDX1). Also called: IMMUNODEFICIENCY 4; SCID, X-LINKED; SEVERE COMBINED IMMUNODEFICIENCY, X-LINKED, T CELL-NEGATIVE, B CELL-POSITIVE, NK CELL-NEGATIVE; T-B+ severe combined immunodeficiency due to gamma chain deficiency; X-Linked Combined Immunodeficiency Diseases. Identifiers: Orphanet 276, MedGen C6022468, MONDO:0010315, OMIM 300400. Disease mechanism: loss of function.
Inborn genetic diseases. Identifiers: MedGen C0950123, MeSH D030342.

Allele frequency attached by ClinVar (database versions not stated): gnomAD exomes 0.00001; TOPMed 0.00001.
gnomAD v4.1: 4 of 1,211,525 alleles (0.00033%); highest among the groups gnomAD compares: Admixed American, 0.0087%; no homozygotes.

Submissions (2):

Ambry Genetics
Classification: Uncertain significance for Inborn genetic diseases. Last evaluated: 2026-01-21. Review status: criteria provided, single submitter. Criteria: Ambry Variant Classification Scheme 2023. Collection method: clinical testing. Allele origin: germline.

Labcorp Genetics (formerly Invitae), Labcorp
Classification: Uncertain significance for X-linked severe combined immunodeficiency. Last evaluated: 2022-07-19. Review status: criteria provided, single submitter. Criteria: Invitae Variant Classification Sherloc (09022015). Collection method: clinical testing. Allele origin: germline.
Comment: This sequence change replaces leucine, which is neutral and non-polar, with serine, which is neutral and polar, at codon 6 of the IL2RG protein (p.Leu6Ser). This variant is not present in population databases (gnomAD no frequency). This variant has not been reported in the literature in individuals affected with IL2RG-related conditions. ClinVar contains an entry for this variant (Variation ID: 1401442). Advanced modeling of protein sequence and biophysical properties (such as structural, functional, and spatial information, amino acid conservation, physicochemical variation, residue mobility, and thermodynamic stability) performed at Invitae indicates that this missense variant is not expected to disrupt IL2RG protein function. In summary, the available evidence is currently insufficient to determine the role of this variant in disease. Therefore, it has been classified as a Variant of Uncertain Significance.

NM_000206.3(IL2RG):c.17T>C (p.Leu6Ser)

Genes: IL2RG (interleukin 2 receptor subunit gamma; minus strand), LOC126863274 (MED14-independent group 3 enhancer GRCh37_chrX:70330888-70332087; plus strand). Cytogenetic location: Xq13.1.
Variant type: single nucleotide variant.
Coding change: c.17T>C on transcript NM_000206.3 (MANE Select); coding-DNA position 17, T replaced by C.
Protein change: p.Leu6Ser; replaces leucine 6 with serine.
Molecular consequence: missense variant.
Genome position (GRCh38, 1-based): chrX:71,111,523, A>G on the plus strand (T>C on the coding strand, the complement: IL2RG is on the minus strand). VCF-style: chrX-71111523-A-G. GRCh37 (hg19) VCF-style: chrX-70331373-A-G.
Other names: c.17T>C (NM_000206.2); short protein forms L6S.
Identifiers: ClinVar variation 1401442 (VCV001401442.6), dbSNP rs2092264087, ClinGen allele CA413497767.